The following is an entry in ClinVar:

NM_001184880.2(PCDH19):c.2239G>A (p.Glu747Lys)

Genes: PCDH19 (protocadherin 19; minus strand), LOC125467768 (CDK7 strongly-dependent group 2 enhancer GRCh37_chrX:99657381-99658580; plus strand). Cytogenetic location: Xq22.1.
Variant type: single nucleotide variant.
Coding change: c.2239G>A on transcript NM_001184880.2 (MANE Select); coding-DNA position 2239, G replaced by A.
Protein change: p.Glu747Lys; replaces glutamic acid 747 with lysine.
Molecular consequence: missense variant. On other transcripts: intron variant (2).
Genome position (GRCh38, 1-based): chrX:100,403,573, C>T on the plus strand (G>A on the coding strand, the complement: PCDH19 is on the minus strand). VCF-style: chrX-100403573-C-T. GRCh37 (hg19) VCF-style: chrX-99658571-C-T.
Other names: c.2148-722G>A (NM_020766.3, NM_001105243.2); short protein forms E747K.
Identifiers: ClinVar variation 1356451 (VCV001356451.8), dbSNP rs1407091251, ClinGen allele CA414006904.

ClinVar aggregate classification (germline): Uncertain significance (1 of 4 stars; one submission).

Conditions:
Developmental and epileptic encephalopathy, 9 (DEE9). Also called: EPILEPSY, FEMALE-RESTRICTED, WITH MENTAL RETARDATION; PCDH19-Related X-Linked Female-Limited Epilepsy with Mental Retardation; Early infantile epileptic encephalopathy 9; JUBERG-HELLMAN SYNDROME. Identifiers: Orphanet 101039, Orphanet 2076, MedGen C1848137, MONDO:0010246, OMIM 300088. Disease mechanism: loss of function.

Allele frequency attached by ClinVar (database versions not stated): gnomAD exomes below 0.00001; TOPMed below 0.00001.
gnomAD v4.1: 2 of 1,209,826 alleles (0.00017%); highest among the groups gnomAD compares: Admixed American, 0.0022%; no homozygotes.

Submission:

Labcorp Genetics (formerly Invitae), Labcorp
Classification: Uncertain significance for Developmental and epileptic encephalopathy, 9. Last evaluated: 2023-08-28. Review status: criteria provided, single submitter. Criteria: Invitae Variant Classification Sherloc (09022015). Collection method: clinical testing. Allele origin: germline.
Comment: In summary, the available evidence is currently insufficient to determine the role of this variant in disease. Therefore, it has been classified as a Variant of Uncertain Significance. Advanced modeling of protein sequence and biophysical properties (such as structural, functional, and spatial information, amino acid conservation, physicochemical variation, residue mobility, and thermodynamic stability) performed at Invitae indicates that this missense variant is not expected to disrupt PCDH19 protein function. ClinVar contains an entry for this variant (Variation ID: 1356451). This variant has not been reported in the literature in individuals affected with PCDH19-related conditions. This variant is not present in population databases (gnomAD no frequency). This sequence change replaces glutamic acid, which is acidic and polar, with lysine, which is basic and polar, at codon 747 of the PCDH19 protein (p.Glu747Lys).